The following is an entry in ClinVar:

ClinVar aggregate classification (germline): Pathogenic. Review status: criteria provided, multiple submitters, no conflicts (2 of 4 stars). 4 submissions from 4 submitters: Pathogenic (3). 1 of the submissions does not count toward it. Last evaluated 2024-07-16.

Conditions:
Hypercholesterolemia, autosomal dominant, type B (FHCL2). Also called: Familial Hypercholesterolemia Type B; Hyperlipoproteinemia Type IIb; Familial hypercholesterolemia 2; APOB-Related Familial Hypercholesterolemia, Autosomal Dominant; APOLIPOPROTEIN B-100, FAMILIAL DEFECTIVE; APOLIPOPROTEIN B-100, FAMILIAL LIGAND-DEFECTIVE. Identifiers: MedGen C1704417, MONDO:0007751, OMIM 144010.
Familial hypobetalipoproteinemia 1. Also called: APOB-Related Familial Hypobetalipoproteinemia; Hypobetalipoproteinemia, normotriglyceridemic; Acanthocytosis with hypobetalipoproteinemia. Identifiers: MedGen C4551990, MONDO:0014252, OMIM 615558.
Familial hypobetalipoproteinemia (FHBL). Also called: Hypobetalipoproteinemia, familial, associated with apob39; Hypobetalipoproteinemia, familial, associated with apob40; Hypobetalipoproteinemia, familial, associated with apob90 or apob89; Hypobetalipoproteinemia, familial, associated with apob46; Hypobetalipoproteinemia, familial, associated with apob87; Hypobetalipoproteinemia, familial, associated with apob31. Identifiers: MedGen C1862596.

Submissions (4):

GeneDx
Classification: Pathogenic. Last evaluated: 2024-07-16. Review status: criteria provided, single submitter. Criteria: GeneDx Variant Classification Process June 2021. Collection method: clinical testing. Allele origin: germline. Affected: yes.
Comment: Frameshift variant predicted to result in protein truncation or nonsense mediated decay in a gene for which loss of function is a known mechanism of disease; Not observed at significant frequency in large population cohorts (gnomAD); Also known as apo B67; This variant is associated with the following publications: (PMID: 34570182, 2022744)

Labcorp Genetics (formerly Invitae), Labcorp
Classification: Pathogenic for Familial hypobetalipoproteinemia 1; Hypercholesterolemia, autosomal dominant, type B. Last evaluated: 2022-12-01. Review status: criteria provided, single submitter. Criteria: Invitae Variant Classification Sherloc (09022015). Collection method: clinical testing. Allele origin: germline.
Comment: For these reasons, this variant has been classified as Pathogenic. ClinVar contains an entry for this variant (Variation ID: 17892). This variant is also known as a single nucleotide deletion in exon 26 (cDNA nucleotide 9327). This premature translational stop signal has been observed in individual(s) with hypobetalipoproteinemia (PMID: 2022744). This variant is not present in population databases (gnomAD no frequency). This sequence change creates a premature translational stop signal (p.Lys3067Argfs*2) in the APOB gene. It is expected to result in an absent or disrupted protein product. Loss-of-function variants in APOB are known to be pathogenic (PMID: 20032471).

Fulgent Genetics
Classification: Pathogenic for Hypercholesterolemia, autosomal dominant, type B; Familial hypobetalipoproteinemia 1. Last evaluated: 2021-09-27. Review status: criteria provided, single submitter. Criteria: ACMG Guidelines, 2015. Collection method: clinical testing. Allele origin: unknown.

OMIM
Classification: Pathogenic for HYPOBETALIPOPROTEINEMIA, FAMILIAL. Last evaluated: 1991-05-01. Review status: no assertion criteria provided. Collection method: literature only. Allele origin: germline. Not counted in ClinVar's aggregate classification.

Literature cited by the submitters: PubMed 2022744 (cited by Labcorp Genetics (formerly Invitae), Labcorp and OMIM); PubMed 20032471 (cited by Labcorp Genetics (formerly Invitae), Labcorp).

NM_000384.3(APOB):c.9200del (p.Lys3067fs)

Gene: APOB (apolipoprotein B; minus strand). Cytogenetic location: 2p24.1.
Variant type: Deletion.
Coding change: c.9200del on transcript NM_000384.3 (MANE Select); coding-DNA position 9200, one base deleted (A; older notation c.9200delA).
Protein change: p.Lys3067fs; shifts the reading frame from lysine 3067.
Molecular consequence: frameshift variant.
Genome position (GRCh38, 1-based): chr2:21,007,668, T deleted on the plus strand (A on the coding strand, the reverse complement: APOB is on the minus strand); the first of 2 consecutive T bases (chr2:21,007,668-21,007,669); deleting either gives the same sequence. VCF-style (leftmost placement, unchanged base first): chr2-21007667-CT-C. GRCh37 (hg19) VCF-style: chr2-21230539-CT-C.
Other names: L3041*; c.9200del (NM_000384.2); short protein forms K3067fs.
Identifiers: ClinVar variation 17892 (VCV000017892.6), dbSNP rs121918387, ClinGen allele CA022945.
Genomic context (GRCh38, chr2:21,007,667, plus strand): 5'-CCAACTTGCTTGCTGGGCACTGGGACTCAGAAACAGTGCATAGTTATTCAGGAAGTCTAT[CT>C]TCCCTGTTAACCTTAATGGAAAACGAACTTTCAAATTCCCTTCATTGTTTGTGGATGCCG-3'